The following is an entry in ClinVar:

NM_000466.3(PEX1):c.2718+10C>T

Gene: PEX1 (peroxisomal biogenesis factor 1; minus strand). Cytogenetic location: 7q21.2.
Variant type: single nucleotide variant.
Coding change: c.2718+10C>T on transcript NM_000466.3 (MANE Select); 10 bases into the intron after coding-DNA position 2718, C replaced by T.
Molecular consequence: intron variant.
Genome position (GRCh38, 1-based): chr7:92,499,694, G>A on the plus strand (C>T on the coding strand, the complement: PEX1 is on the minus strand). VCF-style: chr7-92499694-G-A. GRCh37 (hg19) VCF-style: chr7-92129008-G-A.
Other names: c.2718+10C>T (NM_000466.2); c.2547+10C>T (NM_001282677.2); c.2094+10C>T (NM_001282678.2).
Identifiers: ClinVar variation 1998535 (VCV001998535.5), dbSNP rs2484655036, ClinGen allele CA2578937908.
Genomic context (GRCh38, chr7:92,499,694, plus strand): 5'-CTTTGAAATGGCTAACTGCATTTATGTTAATTTTACCTAAATAAAAAAAGAAGATAAGTA[G>A]ACAACATACCTTGACACTTATAAAATTCATTCTACTCTCTCGTGCAATTACCCCAGCTAG-3'

ClinVar aggregate classification (germline): Likely benign. Review status: criteria provided, multiple submitters, no conflicts (2 of 4 stars). 2 submissions from 2 submitters: Likely benign (2). Last evaluated 2026-01-07.

Conditions:
PEX1-related disorder. Also called: PEX1-related condition.
Zellweger spectrum disorders (ZS). Also called: Zellweger Spectrum Disorder (ZSD); Zellweger syndrome; Zellweger Spectrum Disorder; Zellweger Spectrum. Identifiers: Orphanet 912, MedGen C0043459, MONDO:0019609.

Submissions (2):

PreventionGenetics, part of Exact Sciences
Classification: Likely benign for PEX1-related condition. Last evaluated: 2026-01-07. Review status: criteria provided, single submitter. Criteria: ACMG Guidelines, 2015. Collection method: clinical testing. Allele origin: germline.
Comment: This variant is classified as likely benign based on ACMG/AMP sequence variant interpretation guidelines (Richards et al. 2015 PMID: 25741868, with internal and published modifications).

Labcorp Genetics (formerly Invitae), Labcorp
Classification: Likely benign for Zellweger spectrum disorders. Last evaluated: 2022-05-25. Review status: criteria provided, single submitter. Criteria: Invitae Variant Classification Sherloc (09022015). Collection method: clinical testing. Allele origin: germline.